The following is an entry in ClinVar:

NM_015425.6(POLR1A):c.2725A>G (p.Thr909Ala)

Gene: POLR1A (RNA polymerase I subunit A; minus strand). Cytogenetic location: 2p11.2.
Variant type: single nucleotide variant.
Coding change: c.2725A>G on transcript NM_015425.6 (MANE Select); coding-DNA position 2725, A replaced by G.
Protein change: p.Thr909Ala; replaces threonine 909 with alanine.
Molecular consequence: missense variant.
Genome position (GRCh38, 1-based): chr2:86,047,173, T>C on the plus strand (A>G on the coding strand, the complement: POLR1A is on the minus strand). VCF-style: chr2-86047173-T-C. GRCh37 (hg19) VCF-style: chr2-86274296-T-C.
Other names: short protein forms T909A.
Identifiers: ClinVar variation 3696195 (VCV003696195.2).

ClinVar aggregate classification (germline): Uncertain significance (1 of 4 stars; one submission).

gnomAD v4.1: 5 of 1,613,434 alleles (0.00031%); highest among the groups gnomAD compares: South Asian, 0.0055%; no homozygotes.

Submission:

Labcorp Genetics (formerly Invitae), Labcorp
Classification: Uncertain significance. Last evaluated: 2024-03-12. Review status: criteria provided, single submitter. Criteria: Invitae Variant Classification Sherloc (09022015). Collection method: clinical testing. Allele origin: germline.
Comment: This sequence change replaces threonine, which is neutral and polar, with alanine, which is neutral and non-polar, at codon 909 of the POLR1A protein (p.Thr909Ala). This variant is present in population databases (rs751718955, gnomAD 0.003%). This variant has not been reported in the literature in individuals affected with POLR1A-related conditions. Advanced modeling of protein sequence and biophysical properties (such as structural, functional, and spatial information, amino acid conservation, physicochemical variation, residue mobility, and thermodynamic stability) performed at Invitae indicates that this missense variant is not expected to disrupt POLR1A protein function with a negative predictive value of 80%. In summary, the available evidence is currently insufficient to determine the role of this variant in disease. Therefore, it has been classified as a Variant of Uncertain Significance.